The following is an entry in ClinVar:

ClinVar aggregate classification (germline): Uncertain significance (1 of 4 stars; one submission).

Submission:

Ambry Genetics
Classification: Uncertain significance. Last evaluated: 2025-10-29. Review status: criteria provided, single submitter. Criteria: Ambry Variant Classification Scheme 2023. Collection method: clinical testing. Allele origin: germline.
Comment: The p.Y68N variant (also known as c.202T>A), located in coding exon 3 of the RAD51B gene, results from a T to A substitution at nucleotide position 202. The tyrosine at codon 68 is replaced by asparagine, an amino acid with dissimilar properties. This amino acid position is conserved. In addition, this alteration is predicted to be tolerated by in silico analysis. Based on the available evidence, the clinical significance of this variant remains unclear.

NM_133510.4(RAD51B):c.202T>A (p.Tyr68Asn)

Gene: RAD51B (RAD51 paralog B; plus strand). Cytogenetic location: 14q24.1.
Variant type: single nucleotide variant.
Coding change: c.202T>A on transcript NM_133510.4 (MANE Select); coding-DNA position 202, T replaced by A.
Protein change: p.Tyr68Asn; replaces tyrosine 68 with asparagine.
Molecular consequence: missense variant. On other transcripts: 5 prime UTR variant (1).
Genome position (GRCh38, 1-based): chr14:67,835,083, T>A. VCF-style: chr14-67835083-T-A. GRCh37 (hg19) VCF-style: chr14-68301800-T-A.
Other names: c.202T>A, p.Tyr68Asn (NM_001321809.2, NM_001321810.2, NM_001321812.1 and 6 more transcripts); c.88T>A, p.Tyr30Asn (NM_001321815.1); c.-254T>A (NM_001321817.2); short protein forms Y30N, Y68N.
Identifiers: ClinVar variation 4575305 (VCV004575305.1).
Genomic context (GRCh38, chr14:67,835,083, plus strand): 5'-TTATGTTTTTGAATATATATAGAGGTTGAAAAAAAACTTAATCATTTTCTTGTTTAGGCT[T>A]ATGGGATAAAAGCACAAAGGTCTGCTGATTTCTCACCAGCATTCTTATCTACTACCCTTT-3'
Protein context (NP_598194.1, residues 58-78): RACAPKMQTA[Tyr68Asn]GIKAQRSADF